The following is an entry in ClinVar:

NM_020937.4(FANCM):c.5785G>A (p.Gly1929Arg)

Gene: FANCM (FA complementation group M; plus strand). Cytogenetic location: 14q21.2.
Variant type: single nucleotide variant.
Coding change: c.5785G>A on transcript NM_020937.4 (MANE Select); coding-DNA position 5785, G replaced by A.
Protein change: p.Gly1929Arg; replaces glycine 1929 with arginine.
Molecular consequence: missense variant.
Genome position (GRCh38, 1-based): chr14:45,198,712, G>A. VCF-style: chr14-45198712-G-A. GRCh37 (hg19) VCF-style: chr14-45667915-G-A.
Other names: c.5707G>A, p.Gly1903Arg (NM_001308133.2); short protein forms G1903R, G1929R.
Identifiers: ClinVar variation 4254608 (VCV004254608.1).
Genomic context (GRCh38, chr14:45,198,712, plus strand): 5'-TCAAGGATGTTTAGGAGAACAAAGAGCTATGACAGCCTGCTGACTACCTTAATTGGCGCT[G>A]GAATCCGAATTCTTTTCAGTTCCTGCCAAGAAGAAACCGCAGATTTGCTAAAGGAACTGT-3'
Protein context (NP_065988.1, residues 1919-1939): DSLLTTLIGA[Gly1929Arg]IRILFSSCQE

ClinVar aggregate classification (germline): Uncertain significance (1 of 4 stars; one submission).

Conditions:
Inborn genetic diseases. Identifiers: MedGen C0950123, MeSH D030342.

Submission:

Ambry Genetics
Classification: Uncertain significance for Inborn genetic diseases. Last evaluated: 2025-07-22. Review status: criteria provided, single submitter. Criteria: Ambry Variant Classification Scheme 2023. Collection method: clinical testing. Allele origin: germline.
Comment: The p.G1929R variant (also known as c.5785G>A), located in coding exon 22 of the FANCM gene, results from a G to A substitution at nucleotide position 5785. The glycine at codon 1929 is replaced by arginine, an amino acid with dissimilar properties. This amino acid position is conserved. In addition, the in silico prediction for this alteration is inconclusive. Based on the available evidence, the clinical significance of this variant remains unclear.